The following is an entry in ClinVar:

NM_017763.6(RNF43):c.450+8G>A

Gene: RNF43 (ring finger protein 43; minus strand). Cytogenetic location: 17q22.
Variant type: single nucleotide variant.
Coding change: c.450+8G>A on transcript NM_017763.6 (MANE Select); 8 bases into the intron after coding-DNA position 450, G replaced by A.
Molecular consequence: intron variant.
Genome position (GRCh38, 1-based): chr17:58,363,518, C>T on the plus strand (G>A on the coding strand, the complement: RNF43 is on the minus strand). VCF-style: chr17-58363518-C-T. GRCh37 (hg19) VCF-style: chr17-56440879-C-T.
Other names: c.450+8G>A (NM_001438822.1, NM_001305544.3, NM_001438820.1 and 1 more transcripts); c.69+8G>A (NM_001305545.2, NM_001437987.1).
Identifiers: ClinVar variation 4875886 (VCV004875886.1).

ClinVar aggregate classification (germline): Likely benign (1 of 4 stars; one submission).

Conditions:
Sessile serrated polyposis cancer syndrome (SSPCS). Identifiers: Orphanet 157798, MedGen C4310714, MONDO:0014919, OMIM 617108.

Submission:

Myriad Genetics, Inc.
Classification: Likely benign for Sessile serrated polyposis cancer syndrome. Last evaluated: 2026-06-26. Review status: criteria provided, single submitter. Criteria: Myriad Autosomal Dominant, Autosomal Recessive and X-Linked Classification Criteria (2023). Collection method: clinical testing. Allele origin: unknown.
Comment: This variant is considered likely benign. This variant is intronic and is not expected to impact mRNA splicing.